The following is an entry in ClinVar:

NM_198578.4(LRRK2):c.7305A>C (p.Leu2435Phe)

Gene: LRRK2 (leucine rich repeat kinase 2; plus strand). Cytogenetic location: 12q12.
Variant type: single nucleotide variant.
Coding change: c.7305A>C on transcript NM_198578.4 (MANE Select); coding-DNA position 7305, A replaced by C.
Protein change: p.Leu2435Phe; replaces leucine 2435 with phenylalanine.
Molecular consequence: missense variant.
Genome position (GRCh38, 1-based): chr12:40,364,965, A>C. VCF-style: chr12-40364965-A-C. GRCh37 (hg19) VCF-style: chr12-40758767-A-C.
Other names: short protein forms L2435F.
Identifiers: ClinVar variation 1758221 (VCV001758221.3), dbSNP rs1946831998, ClinGen allele CA384415097.
Genomic context (GRCh38, chr12:40,364,965, plus strand): 5'-AACCCTCTGCCTTCAGAAGAACACTGCTCTTTGGATAGGAACTGGAGGAGGCCATATTTT[A>C]CTCCTGGATCTTTCAACTCGTCGACTTATACGTGTAATTTACAACTTTTGTAATTCGGTC-3'
Protein context (NP_940980.4, residues 2425-2445): LWIGTGGGHI[Leu2435Phe]LLDLSTRRLI

ClinVar aggregate classification (germline): Uncertain significance (1 of 4 stars; one submission).

Conditions:
Inborn genetic diseases. Identifiers: MedGen C0950123, MeSH D030342.

gnomAD v4.1: 3 of 1,612,544 alleles (0.00019%); highest among the groups gnomAD compares: Middle Eastern, 0.033%; no homozygotes.

Submission:

Ambry Genetics
Classification: Uncertain significance for Inborn genetic diseases. Last evaluated: 2024-07-05. Review status: criteria provided, single submitter. Criteria: Ambry Variant Classification Scheme 2023. Collection method: clinical testing. Allele origin: germline.
Comment: The p.L2435F variant (also known as c.7305A>C), located in coding exon 49 of the LRRK2 gene, results from an A to C substitution at nucleotide position 7305. The leucine at codon 2435 is replaced by phenylalanine, an amino acid with highly similar properties. This amino acid position is conserved. In addition, this alteration is predicted to be tolerated by in silico analysis. Since supporting evidence is limited at this time, the clinical significance of this alteration remains unclear.